The following is an entry in ClinVar:

NM_032737.4(LMNB2):c.1412C>T (p.Ser471Leu)

Gene: LMNB2 (lamin B2; minus strand). Cytogenetic location: 19p13.3.
Variant type: single nucleotide variant.
Coding change: c.1412C>T on transcript NM_032737.4 (MANE Select); coding-DNA position 1412, C replaced by T.
Protein change: p.Ser471Leu; replaces serine 471 with leucine.
Molecular consequence: missense variant.
Genome position (GRCh38, 1-based): chr19:2,433,896, G>A on the plus strand (C>T on the coding strand, the complement: LMNB2 is on the minus strand). VCF-style: chr19-2433896-G-A. GRCh37 (hg19) VCF-style: chr19-2433894-G-A.
Other names: short protein forms S471L.
Identifiers: ClinVar variation 1040829 (VCV001040829.8), dbSNP rs761548544, ClinGen allele CA9067501.
Genomic context (GRCh38, chr19:2,433,896, plus strand): 5'-TTGTTCTTGAGCTGCACAAACTTGCCCTCCAGGTCGATCTCCTCGATGCTGACGCTACCC[G>A]AGGCCGAGGCCTGCTGGGCCAGGTGGAAGCCACCGCTGCCACCCGTGCCCGTGCCCAGGA-3'
Protein context (NP_116126.3, residues 461-481): GFHLAQQASA[Ser471Leu]GSVSIEEIDL

ClinVar aggregate classification (germline): Uncertain significance (1 of 4 stars; one submission).

Conditions:
Progressive myoclonic epilepsy type 9. Identifiers: Orphanet 457265, MedGen C4225289, MONDO:0014685, OMIM 616540.
Lipodystrophy, partial, acquired, susceptibility to (APLD). Also called: APLD, SUSCEPTIBILITY TO. Identifiers: MedGen C3887501, MONDO:0100476, OMIM 608709.

Allele frequency attached by ClinVar (database versions not stated): gnomAD exomes below 0.00001; TOPMed below 0.00001; ExAC 0.00001; gnomAD 0.00001 and 0.00002.
gnomAD v4.1: 7 of 1,612,158 alleles (0.00043%); highest among the groups gnomAD compares: South Asian, 0.0022%; no homozygotes.

Submission:

Labcorp Genetics (formerly Invitae), Labcorp
Classification: Uncertain significance for Progressive myoclonic epilepsy type 9; Lipodystrophy, partial, acquired, susceptibility to. Last evaluated: 2024-05-15. Review status: criteria provided, single submitter. Criteria: Invitae Variant Classification Sherloc (09022015). Collection method: clinical testing. Allele origin: germline.
Comment: This sequence change replaces serine, which is neutral and polar, with leucine, which is neutral and non-polar, at codon 471 of the LMNB2 protein (p.Ser471Leu). This variant is present in population databases (rs761548544, gnomAD 0.004%). This variant has not been reported in the literature in individuals affected with LMNB2-related conditions. ClinVar contains an entry for this variant (Variation ID: 1040829). Advanced modeling of protein sequence and biophysical properties (such as structural, functional, and spatial information, amino acid conservation, physicochemical variation, residue mobility, and thermodynamic stability) performed at Invitae indicates that this missense variant is not expected to disrupt LMNB2 protein function with a negative predictive value of 80%. In summary, the available evidence is currently insufficient to determine the role of this variant in disease. Therefore, it has been classified as a Variant of Uncertain Significance.